The following is an entry in ClinVar:

ClinVar aggregate classification (germline): Uncertain significance. Review status: criteria provided, multiple submitters, no conflicts (2 of 4 stars). 2 submissions from 2 submitters: Uncertain significance (2). Last evaluated 2024-12-18.

Conditions:
Regional enteritis. Also called: Enteritis, Granulomatous. Identifiers: MedGen C0678202, MeSH D003424.
Blau syndrome (BLAUS). Also called: GRANULOMATOSIS, FAMILIAL JUVENILE SYSTEMIC; GRANULOMATOSIS, FAMILIAL, BLAU TYPE; GRANULOMATOUS INFLAMMATORY ARTHRITIS, DERMATITIS, AND UVEITIS, FAMILIAL; JABS SYNDROME; ARTHROCUTANEOUVEAL GRANULOMATOSIS. Identifiers: Orphanet 90340, MedGen C5201146, MONDO:0008523, OMIM 186580.
Inflammatory bowel disease 1 (IBD1). Also called: INFLAMMATORY BOWEL DISEASE (CROHN DISEASE) 1; Inflammatory bowel disease 1, Crohn disease. Identifiers: MedGen CN260071, MONDO:0009960, OMIM 266600.

Allele frequency attached by ClinVar (database versions not stated): gnomAD 0.00001.
gnomAD v4.1: 1 of 1,613,938 alleles (0.000062%); highest among the groups gnomAD compares: African/African-American, 0.0013%; no homozygotes.

Submissions (2):

Genomic Medicine Center of Excellence, King Faisal Specialist Hospital and Research Centre
Classification: Uncertain significance for Inflammatory bowel disease 1. Last evaluated: 2024-12-18. Review status: criteria provided, single submitter. Criteria: ACMG Guidelines, 2015. Collection method: clinical testing. Allele origin: germline.

Labcorp Genetics (formerly Invitae), Labcorp
Classification: Uncertain significance for Regional enteritis; Blau syndrome. Last evaluated: 2024-12-16. Review status: criteria provided, single submitter. Criteria: Invitae Variant Classification Sherloc (09022015). Collection method: clinical testing. Allele origin: germline.
Comment: This sequence change replaces valine, which is neutral and non-polar, with alanine, which is neutral and non-polar, at codon 793 of the NOD2 protein (p.Val793Ala). This variant is present in population databases (no rsID available, gnomAD 0.01%). This variant has not been reported in the literature in individuals affected with NOD2-related conditions. ClinVar contains an entry for this variant (Variation ID: 1368548). Invitae Evidence Modeling of protein sequence and biophysical properties (such as structural, functional, and spatial information, amino acid conservation, physicochemical variation, residue mobility, and thermodynamic stability) has been performed for this missense variant. However, the output from this modeling did not meet the statistical confidence thresholds required to predict the impact of this variant on NOD2 protein function. In summary, the available evidence is currently insufficient to determine the role of this variant in disease. Therefore, it has been classified as a Variant of Uncertain Significance.

NM_001370466.1(NOD2):c.2297T>C (p.Val766Ala)

Gene: NOD2 (nucleotide binding oligomerization domain containing 2; plus strand). Cytogenetic location: 16q12.1.
Variant type: single nucleotide variant.
Coding change: c.2297T>C on transcript NM_001370466.1 (MANE Select); coding-DNA position 2297, T replaced by C.
Protein change: p.Val766Ala; replaces valine 766 with alanine.
Molecular consequence: missense variant. On other transcripts: non-coding transcript variant (1).
Genome position (GRCh38, 1-based): chr16:50,712,289, T>C. VCF-style: chr16-50712289-T-C. GRCh37 (hg19) VCF-style: chr16-50746200-T-C.
Other names: c.2297T>C, p.Val766Ala (NM_001293557.2); c.2378T>C, p.Val793Ala (NM_022162.3); short protein forms V793A, V766A.
Identifiers: ClinVar variation 1368548 (VCV001368548.9), dbSNP rs1200152449, ClinGen allele CA395872028.